The following is an entry in ClinVar:

NM_006642.5(SDCCAG8):c.646G>A (p.Ala216Thr)

Gene: SDCCAG8 (SHH signaling and ciliogenesis regulator SDCCAG8; plus strand). Cytogenetic location: 1q43.
Variant type: single nucleotide variant.
Coding change: c.646G>A on transcript NM_006642.5 (MANE Select); coding-DNA position 646, G replaced by A.
Protein change: p.Ala216Thr; replaces alanine 216 with threonine.
Molecular consequence: missense variant. On other transcripts: 5 prime UTR variant (3).
Genome position (GRCh38, 1-based): chr1:243,293,190, G>A. VCF-style: chr1-243293190-G-A. GRCh37 (hg19) VCF-style: chr1-243456492-G-A.
Other names: c.-467G>A (NM_001350246.2); c.-355G>A (NM_001350247.2); c.646G>A, p.Ala216Thr (NM_001350248.2); c.352G>A, p.Ala118Thr (NM_001350249.2); c.-728G>A (NM_001350251.2); c.646G>A (NM_006642.3); short protein forms A216T, A118T.
Identifiers: ClinVar variation 1405351 (VCV001405351.6), dbSNP rs753823148, ClinGen allele CA1483366.
Genomic context (GRCh38, chr1:243,293,190, plus strand): 5'-TCTGGGGTGGGCGAAACCTCCAAAAGACCATTTTCCCATGACAATGCAGATTTTGGCAAA[G>A]CTGCATCTGCTGGTGAGCAGCTAGAACTGGTGAGTATTTGGGTGCTTTTCTCTTATACAT-3'
Protein context (NP_006633.1, residues 206-226): FSHDNADFGK[Ala216Thr]ASAGEQLELE

ClinVar aggregate classification (germline): Uncertain significance. Review status: criteria provided, multiple submitters, no conflicts (2 of 4 stars). 2 submissions from 2 submitters: Uncertain significance (2). Last evaluated 2025-09-01.

Conditions:
Inborn genetic diseases. Identifiers: MedGen C0950123, MeSH D030342.
Senior-Loken syndrome 7 (SLSN7). Identifiers: Orphanet 3156, MedGen C3150877, MONDO:0013326, OMIM 613615.
Bardet-Biedl syndrome 16 (BBS16). Identifiers: Orphanet 110, MedGen C3889474, MONDO:0014444, OMIM 615993.

Allele frequency attached by ClinVar (database versions not stated): gnomAD exomes below 0.00001 and 0.00002; ExAC 0.00001; gnomAD 0.00001; TOPMed 0.00001.
gnomAD v4.1: 8 of 1,613,986 alleles (0.0005%); highest among the groups gnomAD compares: East Asian, 0.016%; no homozygotes.

Submissions (2):

Ambry Genetics
Classification: Uncertain significance for Inborn genetic diseases. Last evaluated: 2025-09-01. Review status: criteria provided, single submitter. Criteria: Ambry Variant Classification Scheme 2023. Collection method: clinical testing. Allele origin: germline.

Labcorp Genetics (formerly Invitae), Labcorp
Classification: Uncertain significance for Bardet-Biedl syndrome 16; Senior-Loken syndrome 7. Last evaluated: 2021-08-30. Review status: criteria provided, single submitter. Criteria: Invitae Variant Classification Sherloc (09022015). Collection method: clinical testing. Allele origin: germline.
Comment: This sequence change replaces alanine with threonine at codon 216 of the SDCCAG8 protein (p.Ala216Thr). The alanine residue is weakly conserved and there is a small physicochemical difference between alanine and threonine. This variant is present in population databases (rs753823148, ExAC 0.01%). This variant has not been reported in the literature in individuals affected with SDCCAG8-related conditions. Algorithms developed to predict the effect of missense changes on protein structure and function output the following: SIFT: "Tolerated"; PolyPhen-2: "Benign"; Align-GVGD: "Class C0". The threonine amino acid residue is found in multiple mammalian species, which suggests that this missense change does not adversely affect protein function. In summary, the available evidence is currently insufficient to determine the role of this variant in disease. Therefore, it has been classified as a Variant of Uncertain Significance.